The following is an entry in ClinVar:

NM_000179.3(MSH6):c.1371C>T (p.Ala457=)

Gene: MSH6 (mutS homolog 6; plus strand). Cytogenetic location: 2p16.3.
Variant type: single nucleotide variant.
Coding change: c.1371C>T on transcript NM_000179.3 (MANE Select); coding-DNA position 1371, C replaced by T.
Protein change: p.Ala457=; no amino-acid change (alanine 457 retained).
Molecular consequence: synonymous variant.
Genome position (GRCh38, 1-based): chr2:47,799,354, C>T. VCF-style: chr2-47799354-C-T. GRCh37 (hg19) VCF-style: chr2-48026493-C-T.
Other names: c.981C>T, p.Ala327= (NM_001281492.2); c.465C>T, p.Ala155= (NM_001281493.2, NM_001281494.2).
Identifiers: ClinVar variation 799559 (VCV000799559.15), dbSNP rs1349832206, ClinGen allele CA426121107.

ClinVar aggregate classification (germline): Benign/Likely benign. Review status: criteria provided, multiple submitters, no conflicts (2 of 4 stars). 4 submissions from 4 submitters: Benign (1); Likely benign (3). Last evaluated 2024-12-26.

Conditions:
Hereditary cancer-predisposing syndrome. Also called: Tumor predisposition; Neoplastic Syndromes, Hereditary; Hereditary Cancer Syndrome; Hereditary neoplastic syndrome. Identifiers: Orphanet 140162, MedGen C0027672, MeSH D009386, MONDO:0015356.
Lynch syndrome 5 (LYNCH5). Also called: Hereditary non-polyposis colorectal cancer, type 5; Colorectal cancer, hereditary nonpolyposis, type 5. Identifiers: Orphanet 144, MedGen C1833477, MONDO:0013710, OMIM 614350. Disease mechanism: loss of function.
Hereditary nonpolyposis colorectal neoplasms. Identifiers: MedGen C0009405, MeSH D003123.

Allele frequency attached by ClinVar (database versions not stated): TOPMed below 0.00001.

Submissions (4):

Myriad Genetics, Inc.
Classification: Benign for Lynch syndrome 5. Last evaluated: 2024-12-26. Review status: criteria provided, single submitter. Criteria: Myriad Autosomal Dominant, Autosomal Recessive and X-Linked Classification Criteria (2023). Collection method: clinical testing. Allele origin: unknown.
Comment: This variant is considered benign. This variant is a silent/synonymous amino acid change and it is not expected to impact splicing.

Labcorp Genetics (formerly Invitae), Labcorp
Classification: Likely benign for Hereditary nonpolyposis colorectal neoplasms. Last evaluated: 2024-08-28. Review status: criteria provided, single submitter. Criteria: Invitae Variant Classification Sherloc (09022015). Collection method: clinical testing. Allele origin: germline.

Ambry Genetics
Classification: Likely benign for Hereditary cancer-predisposing syndrome. Last evaluated: 2023-06-10. Review status: criteria provided, single submitter. Criteria: Ambry Variant Classification Scheme 2023. Collection method: clinical testing. Allele origin: germline.

Color Diagnostics, LLC DBA Color Health
Classification: Likely benign for Hereditary cancer-predisposing syndrome. Last evaluated: 2018-12-14. Review status: criteria provided, single submitter. Criteria: ACMG Guidelines, 2015. Collection method: clinical testing. Allele origin: germline.